The following is an entry in ClinVar:

ClinVar aggregate classification (germline): Uncertain significance (1 of 4 stars; one submission).

Submission:

Labcorp Genetics (formerly Invitae), Labcorp
Classification: Uncertain significance. Last evaluated: 2025-11-15. Review status: criteria provided, single submitter. Criteria: Invitae Variant Classification Sherloc (09022015). Collection method: clinical testing. Allele origin: germline.
Comment: This sequence change replaces leucine, which is neutral and non-polar, with phenylalanine, which is neutral and non-polar, at codon 1647 of the CAMTA1 protein (p.Leu1647Phe). This variant is not present in population databases (gnomAD no frequency). This variant has not been reported in the literature in individuals affected with CAMTA1-related conditions. Invitae Evidence Modeling of protein sequence and biophysical properties (such as structural, functional, and spatial information, amino acid conservation, physicochemical variation, residue mobility, and thermodynamic stability) indicates that this missense variant is expected to disrupt CAMTA1 protein function with a positive predictive value of 80%. In summary, the available evidence is currently insufficient to determine the role of this variant in disease. Therefore, it has been classified as a Variant of Uncertain Significance.

NM_015215.4(CAMTA1):c.4939C>T (p.Leu1647Phe)

Gene: CAMTA1 (calmodulin binding transcription activator 1; plus strand). Cytogenetic location: 1p36.23.
Variant type: single nucleotide variant.
Coding change: c.4939C>T on transcript NM_015215.4 (MANE Select); coding-DNA position 4939, C replaced by T.
Protein change: p.Leu1647Phe; replaces leucine 1647 with phenylalanine.
Molecular consequence: missense variant.
Genome position (GRCh38, 1-based): chr1:7,752,514, C>T. VCF-style: chr1-7752514-C-T. GRCh37 (hg19) VCF-style: chr1-7812574-C-T.
Other names: c.4849C>T, p.Leu1617Phe (NM_001349608.2); c.4621C>T, p.Leu1541Phe (NM_001349609.2); c.4615C>T, p.Leu1539Phe (NM_001349610.2); c.4531C>T, p.Leu1511Phe (NM_001349612.2); c.2068C>T, p.Leu690Phe (NM_001349613.1); c.2032C>T, p.Leu678Phe (NM_001349614.1, NM_001349615.2, NM_001349616.2); c.2011C>T, p.Leu671Phe (NM_001349617.1, NM_001349618.2); c.4528C>T, p.Leu1510Phe (NM_001410738.1); and 3 more; short protein forms L1541F, L1647F, L678F, L565F, L1511F, L1539F, L671F, L1510F.
Identifiers: ClinVar variation 4765657 (VCV004765657.1).
Genomic context (GRCh38, chr1:7,752,514, plus strand): 5'-TTCAGGAGCAGTTTGCTAACCAAAAAGCAGGATCAAGCTGCTCGAAAAATAATGAGGTTT[C>T]TTCGCCGCTGTCGCCACAGGTACACTAGTCCTTGTTTATACATTCTGCTCAGGGAGAATG-3'
Protein context (NP_056030.1, residues 1637-1657): DQAARKIMRF[Leu1647Phe]RRCRHSPLVD